The following is an entry in ClinVar:

NM_003661.4(APOL1):c.1116G>A (p.Lys372=)

Gene: APOL1 (apolipoprotein L1; plus strand). Cytogenetic location: 22q12.3.
Variant type: single nucleotide variant.
Coding change: c.1116G>A on transcript NM_003661.4 (MANE Select); coding-DNA position 1116, G replaced by A.
Protein change: p.Lys372=; no amino-acid change (lysine 372 retained).
Molecular consequence: synonymous variant.
Genome position (GRCh38, 1-based): chr22:36,265,952, G>A. VCF-style: chr22-36265952-G-A. GRCh37 (hg19) VCF-style: chr22-36661998-G-A.
Other names: c.1116G>A, p.Lys372= (NM_001136540.2); c.1062G>A, p.Lys354= (NM_001136541.2, NM_001362927.2); c.1164G>A, p.Lys388= (NM_145343.3).
Identifiers: ClinVar variation 716600 (VCV000716600.13), dbSNP rs201657348, ClinGen allele CA10208838.
Genomic context (GRCh38, chr22:36,265,952, plus strand): 5'-CGTGTACGAATCAAAGCACTTACATGAGGGGGCAAAGTCAGAGACAGCTGAGGAGCTGAA[G>A]AAGGTGGCTCAGGAGCTGGAGGAGAAGCTAAACATTCTCAACAATAATTATAAGATTCTG-3'
Protein context (NP_003652.2, residues 362-382): GAKSETAEEL[Lys372=]KVAQELEEKL

ClinVar aggregate classification (germline): Benign/Likely benign. Review status: criteria provided, multiple submitters, no conflicts (2 of 4 stars). 5 submissions from 5 submitters: Benign (2); Likely benign (3). Last evaluated 2026-06-01.

Conditions:
Focal segmental glomerulosclerosis 4, susceptibility to (FSGS4). Identifiers: Orphanet 84271, MedGen C2675525, MONDO:0012931, OMIM 612551.

Allele frequency attached by ClinVar (database versions not stated): ESP Exome Variant Server 0.00015; gnomAD exomes 0.00044 and 0.00188; gnomAD 0.00066 and 0.00071; ExAC 0.00137; TOPMed 0.00161; 1000 Genomes Project 0.00200; 1000 Genomes Project 30x 0.00203.

Submissions (5):

CeGaT Center for Human Genetics Tuebingen
Classification: Likely benign. Last evaluated: 2026-06-01. Review status: criteria provided, single submitter. Criteria: CeGaT Center For Human Genetics Tuebingen Variant Classification Criteria Version 2. Collection method: clinical testing. Allele origin: germline. Affected: yes. Observed: 1 variant allele.
Comment: APOL1: BP4, BP7, BS1

Labcorp Genetics (formerly Invitae), Labcorp
Classification: Benign. Last evaluated: 2026-01-21. Review status: criteria provided, single submitter. Criteria: Invitae Variant Classification Sherloc (09022015). Collection method: clinical testing. Allele origin: germline.

GeneDx
Classification: Likely benign. Last evaluated: 2021-12-20. Review status: criteria provided, single submitter. Criteria: GeneDx Variant Classification Process June 2021. Collection method: clinical testing. Allele origin: germline. Affected: yes.
Comment: See Variant Classification Assertion Criteria.

Fulgent Genetics
Classification: Likely benign for Focal segmental glomerulosclerosis 4, susceptibility to. Last evaluated: 2021-10-20. Review status: criteria provided, single submitter. Criteria: ACMG Guidelines, 2015. Collection method: clinical testing. Allele origin: unknown.

Breakthrough Genomics
Classification: Benign. Review status: criteria provided, single submitter. Criteria: ACMG Guidelines, 2015. Collection method: not provided. Allele origin: germline. Inheritance: Unknown mechanism. Affected: yes.